The following is an entry in ClinVar:

ClinVar aggregate classification (germline): Uncertain significance (1 of 4 stars; one submission).

Conditions:
Joubert syndrome. Also called: JOUBERT-BOLTSHAUSER SYNDROME; Familial aplasia of the vermis. Identifiers: Orphanet 475, MedGen C5979921, MONDO:0018772.
Meckel-Gruber syndrome. Also called: DYSENCEPHALIA SPLANCHNOCYSTICA; GRUBER SYNDROME; Dysencephalia splachnocystica. Identifiers: Orphanet 564, MedGen C0265215, MONDO:0018921.

Allele frequency attached by ClinVar (database versions not stated): ExAC 0.00001; gnomAD exomes 0.00001.
gnomAD v4.1: 8 of 1,613,842 alleles (0.0005%); highest among the groups gnomAD compares: Non-Finnish European, 0.00068%; no homozygotes.

Submission:

Labcorp Genetics (formerly Invitae), Labcorp
Classification: Uncertain significance for Joubert syndrome; Meckel-Gruber syndrome. Last evaluated: 2022-07-07. Review status: criteria provided, single submitter. Criteria: Invitae Variant Classification Sherloc (09022015). Collection method: clinical testing. Allele origin: germline.
Comment: This sequence change replaces lysine, which is basic and polar, with glutamic acid, which is acidic and polar, at codon 1272 of the CC2D2A protein (p.Lys1272Glu). This variant is present in population databases (rs764468499, gnomAD 0.002%). This variant has not been reported in the literature in individuals affected with CC2D2A-related conditions. Advanced modeling of protein sequence and biophysical properties (such as structural, functional, and spatial information, amino acid conservation, physicochemical variation, residue mobility, and thermodynamic stability) performed at Invitae indicates that this missense variant is expected to disrupt CC2D2A protein function. In summary, the available evidence is currently insufficient to determine the role of this variant in disease. Therefore, it has been classified as a Variant of Uncertain Significance.

NM_001378615.1(CC2D2A):c.3814A>G (p.Lys1272Glu)

Genes: CC2D2A (coiled-coil and C2 domain containing 2A; plus strand), FBXL5 (F-box and leucine rich repeat protein 5; minus strand). Cytogenetic location: 4p15.32.
Variant type: single nucleotide variant.
Coding change: c.3814A>G on transcript NM_001378615.1 (MANE Select); coding-DNA position 3814, A replaced by G.
Protein change: p.Lys1272Glu; replaces lysine 1272 with glutamic acid.
Molecular consequence: missense variant.
Genome position (GRCh38, 1-based): chr4:15,580,010, A>G. VCF-style: chr4-15580010-A-G. GRCh37 (hg19) VCF-style: chr4-15581633-A-G.
Other names: c.3814A>G, p.Lys1272Glu (NM_001080522.2); c.3667A>G, p.Lys1223Glu (NM_001378617.1); short protein forms K1223E, K1272E.
Identifiers: ClinVar variation 2194687 (VCV002194687.1), dbSNP rs764468499, ClinGen allele CA2864240.